The following is an entry in ClinVar:

NM_004360.5(CDH1):c.1008+5G>C

Gene: CDH1 (cadherin 1; plus strand). Cytogenetic location: 16q22.1.
Variant type: single nucleotide variant.
Coding change: c.1008+5G>C on transcript NM_004360.5 (MANE Select); 5 bases into the intron after coding-DNA position 1008, G replaced by C.
Molecular consequence: intron variant.
Genome position (GRCh38, 1-based): chr16:68,811,864, G>C. VCF-style: chr16-68811864-G-C. GRCh37 (hg19) VCF-style: chr16-68845767-G-C.
Other names: c.-608+5G>C (NM_001317185.2); c.-812+5G>C (NM_001317186.2); c.1008+5G>C (NM_001317184.2).
Identifiers: ClinVar variation 1429359 (VCV001429359.6), dbSNP rs747041054, ClinGen allele CA2573152606.

ClinVar aggregate classification (germline): Uncertain significance (1 of 4 stars; one submission).

Conditions:
Hereditary diffuse gastric adenocarcinoma (HDGC). Also called: DIFFUSE GASTRIC AND LOBULAR BREAST CANCER SYNDROME. Identifiers: Orphanet 26106, MedGen C1708349, MONDO:0007648, OMIM 137215.

Submission:

Labcorp Genetics (formerly Invitae), Labcorp
Classification: Uncertain significance for Hereditary diffuse gastric adenocarcinoma. Last evaluated: 2022-02-19. Review status: criteria provided, single submitter. Criteria: Invitae Variant Classification Sherloc (09022015). Collection method: clinical testing. Allele origin: germline.
Comment: In summary, the available evidence is currently insufficient to determine the role of this variant in disease. Therefore, it has been classified as a Variant of Uncertain Significance. Variants that disrupt the consensus splice site are a relatively common cause of aberrant splicing (PMID: 17576681, 9536098). Algorithms developed to predict the effect of sequence changes on RNA splicing suggest that this variant may disrupt the consensus splice site. This variant has not been reported in the literature in individuals affected with CDH1-related conditions. This variant is not present in population databases (gnomAD no frequency). This sequence change falls in intron 7 of the CDH1 gene. It does not directly change the encoded amino acid sequence of the CDH1 protein. It affects a nucleotide within the consensus splice site.

Literature cited by the submitters: PubMed 17576681; PubMed 9536098.